The following is an entry in ClinVar:

ClinVar aggregate classification (germline): Benign. Review status: reviewed by expert panel (3 of 4 stars). 11 submissions from 11 submitters: Benign (1). 10 of the submissions do not count toward it. Last evaluated 2015-08-10.

Conditions:
Hereditary cancer-predisposing syndrome. Also called: Tumor predisposition; Hereditary neoplastic syndrome; Hereditary Cancer Syndrome; Neoplastic Syndromes, Hereditary. Identifiers: Orphanet 140162, MedGen C0027672, MeSH D009386, MONDO:0015356.
Hereditary breast ovarian cancer syndrome. Also called: Hereditary breast and/or ovarian cancer syndrome; Breast and ovarian cancer; Hereditary breast and ovarian cancer syndrome; Hereditary breast and ovarian cancer; Hereditary breast and ovarian cancer syndrome (HBOC); BRCA1- and BRCA2-Associated Hereditary Breast and Ovarian Cancer. Identifiers: Orphanet 145, MedGen C0677776, MeSH D061325, MONDO:0003582. Disease mechanism: loss of function.
Breast-ovarian cancer, familial, susceptibility to, 1 (BROVCA1). Also called: BRCA1 Hereditary Breast and Ovarian Cancer; OVARIAN CANCER, SUSCEPTIBILITY TO. Identifiers: Orphanet 145, MedGen C2676676, MONDO:0011450, OMIM 604370. Disease mechanism: loss of function.
Malignant tumor of breast. Also called: Malignant breast neoplasm; Cancer breast. Identifiers: MedGen C0006142, MONDO:0007254. Disease mechanism: loss of function.

Allele frequency attached by ClinVar (database versions not stated): gnomAD 0.00001; TOPMed 0.00001; gnomAD exomes 0.00002 and 0.00003; ExAC 0.00003.
gnomAD v4.1: 47 of 1,608,488 alleles (0.0029%); highest among the groups gnomAD compares: Non-Finnish European, 0.0037%; no homozygotes.

Submissions (12):

Evidence-based Network for the Interpretation of Germline Mutant Alleles (ENIGMA)
Classification: Benign for Breast-ovarian cancer, familial 1. Last evaluated: 2015-08-10. Review status: reviewed by expert panel. Criteria: ENIGMA BRCA1/2 Classification Criteria (2015). Collection method: curation. Allele origin: germline.
Comment: IARC class based on posterior probability from multifactorial likelihood analysis, thresholds for class as per Plon et al. 2008 (PMID: 18951446). Class 1 based on posterior probability = 0.0000517

Labcorp Genetics (formerly Invitae), Labcorp
Classification: Benign for Hereditary breast ovarian cancer syndrome. Last evaluated: 2026-01-28. Review status: criteria provided, single submitter. Criteria: Invitae Variant Classification Sherloc (09022015). Collection method: clinical testing. Allele origin: germline. Not counted in ClinVar's aggregate classification.

Center for Genomic Medicine, Rigshospitalet, Copenhagen University Hospital
Classification: Benign. Last evaluated: 2025-03-04. Review status: criteria provided, single submitter. Criteria: ACMG Guidelines, 2015. Collection method: clinical testing. Allele origin: germline. Not counted in ClinVar's aggregate classification.

GeneDx
Classification: Likely benign. Last evaluated: 2019-03-01. Review status: criteria provided, single submitter. Criteria: GeneDx Variant Classification Process June 2021. Collection method: clinical testing. Allele origin: germline. Affected: yes. Not counted in ClinVar's aggregate classification.
Comment: This variant is associated with the following publications: (PMID: 17924331, 21990134, 22505045, 16267036, 15829246, 30209399)

Illumina Laboratory Services, Illumina
Classification: Uncertain significance for Breast-ovarian cancer, familial, susceptibility to, 1. Last evaluated: 2017-04-27. Review status: criteria provided, single submitter. Criteria: ICSL Variant Classification Criteria 13 December 2019. Collection method: clinical testing. Allele origin: germline. Not counted in ClinVar's aggregate classification.
Comment: This variant was observed as part of a predisposition screen in an ostensibly healthy population. A literature search was performed for the gene, cDNA change, and amino acid change (where applicable). Publications were found based on this search. However, the evidence from the literature, in combination with allele frequency data from public databases where available, was not sufficient to rule this variant in or out of causing disease. Therefore, this variant is classified as a variant of unknown significance.

Color Diagnostics, LLC DBA Color Health
Classification: Likely benign for Hereditary cancer-predisposing syndrome. Last evaluated: 2017-03-16. Review status: criteria provided, single submitter. Criteria: ACMG Guidelines, 2015. Collection method: clinical testing. Allele origin: germline. Not counted in ClinVar's aggregate classification.

Women's Health and Genetics/Laboratory Corporation of America, LabCorp
Classification: Benign. Last evaluated: 2016-05-02. Review status: criteria provided, single submitter. Criteria: LabCorp Variant Classification Summary - May 2015. Collection method: clinical testing. Allele origin: germline. Not counted in ClinVar's aggregate classification.
Comment: Variant summary: The c.5153-13A>G variant affects a non-conserved intronic nucleotide. Mutation taster predicts benign outcome for this variant. 5/5 in silico tools via Alamut predict this variant does not affect RNA splicing sites. Functional study showed that this variant does not affect splicing (Houdayer_BRCA1&2_HM_2012). This variant is found in 3/119788 control chromosomes at a frequency of 0.000025, which does not exceed maximal expected frequency of a pathogenic allele (0.0010005). This variant has been reported in BrC/OvC patients without evidence for causality. BIC lists one co-occurrence of variant of interest and a pathogenic BRCA1 variant in trans (c.5266dupC/p.Gln1756Profs, also cited in Judkins_2005), further supporting neutrality of our variant of interest. In addition, multiple clinical laboratory/publications classified this variant as benign. Taken together, this variant was classified as benign.

Ambry Genetics
Classification: Benign for Hereditary cancer-predisposing syndrome. Last evaluated: 2014-11-18. Review status: criteria provided, single submitter. Criteria: Ambry Variant Classification Scheme 2023. Collection method: clinical testing. Allele origin: germline. Not counted in ClinVar's aggregate classification.

Counsyl
Classification: Likely benign for Breast-ovarian cancer, familial, susceptibility to, 1. Last evaluated: 2017-08-22. Review status: no assertion criteria provided. Collection method: clinical testing. Allele origin: unknown. Not counted in ClinVar's aggregate classification.

Breast Cancer Information Core (BIC) (BRCA1)
Classification: Uncertain significance for Breast-ovarian cancer, familial 1. Last evaluated: 1999-12-30. Review status: no assertion criteria provided. Collection method: clinical testing. Allele origin: germline. Affected: yes. Observed: 3 variant alleles. Not counted in ClinVar's aggregate classification.

Brotman Baty Institute, University of Washington
No classification provided (evidence only). Condition: Breast-ovarian cancer, familial 1. Review status: no classification provided. Collection method: in vitro. Allele origin: not applicable. Functional consequence: functionally_normal. Not counted in ClinVar's aggregate classification.
ClinVar note: "not provided" was previously submitted as the classification for the variant. However, the classification appeared to be based only on an observation of functional data so it was converted to no classification on 2025-07-30.

Department of Pathology and Laboratory Medicine, Sinai Health System
Classification: Likely benign for Malignant tumor of breast. Review status: no assertion criteria provided. Collection method: clinical testing. Allele origin: unknown. Affected: yes. Study: The Canadian Open Genetics Repository (COGR). Not counted in ClinVar's aggregate classification.
Comment: The BRCA1 c.5153-13A>G variant was identified in the literature however the frequency of this variant in an affected population was not provided (Easton 2007, Houdayer 2012, Judkins 2005, Lindor 2012). The variant was also identified in dbSNP (ID: rs45471406) as "With Likely benign allele", ClinVar (classified as benign by Invitae, ENIGMA and Integrated Genetics/Laboratory Corporation of America; as likely benign by GeneDx, Color and Counsyl; as uncertain significance by BIC), and in LOVD 3.0 (4x ). The variant was identified in control databases in 4 of 245430 chromosomes at a frequency of 0.00002 (Genome Aggregation Database Feb 27, 2017). The variant was observed in the following populations: European in 3 of 111414 chromosomes (freq: 0.00003), and South Asian in 1 of 30776 chromosomes (freq: 0.00003), while the variant was not observed in the African, Other, Latino, Ashkenazi Jewish, East Asian, and Finnish, populations. The variant occurs outside of the splicing consensus sequence and 1 of 4 in silico or computational prediction software programs (SpliceSiteFinder, MaxEntScan, NNSPLICE, GeneSplicer) predict a greater than 10% difference in splicing; this is not very predictive of pathogenicity. The variant was identified with a co-occurring pathogenic BRCA1 variant (c.5266dupC (Alias 5385insC) (p.Gln1756Profs)), increasing the likelihood that the c.5153-13A>G variant does not have clinical significance (Judkins 2005). In addition, several Multifactorial likelihood-ratio models showed the variant has odds in favor of neutrality 6799 and posterior probability of being deleterious 5.17âˆšÃ³10â€šÃ Ã­5 (Easton 2007, Lindor 2012). In summary, based on the above information the clinical significance of this variant cannot be determined with certainty at this time although we would lean towards a more benign role for this variant. This variant is classified as likely benign.

Literature cited by the submitters: PubMed 21990134 (cited by 3 submitters); PubMed 16267036 (cited by 3 submitters); PubMed 15829246 (cited by Women's Health and Genetics/Laboratory Corporation of America, LabCorp); PubMed 17924331 (cited by Women's Health and Genetics/Laboratory Corporation of America, LabCorp and Counsyl); PubMed 20167696 (cited by Women's Health and Genetics/Laboratory Corporation of America, LabCorp); PubMed 22505045 (cited by Women's Health and Genetics/Laboratory Corporation of America, LabCorp and Counsyl).

NM_007294.4(BRCA1):c.5153-13A>G

Gene: BRCA1 (BRCA1 DNA repair associated; minus strand). Cytogenetic location: 17q21.31.
Variant type: single nucleotide variant.
Coding change: c.5153-13A>G on transcript NM_007294.4 (MANE Select); 13 bases into the intron before coding-DNA position 5153, A replaced by G.
Molecular consequence: intron variant.
Genome position (GRCh38, 1-based): chr17:43,063,386, T>C on the plus strand (A>G on the coding strand, the complement: BRCA1 is on the minus strand). VCF-style: chr17-43063386-T-C. GRCh37 (hg19) VCF-style: chr17-41215403-T-C.
Other names: IVS18-13A>G; c.1700-13A>G (NM_001408458.1, NM_001408461.1, NM_001408464.1 and 7 more transcripts); c.4262-13A>G (NM_001407967.1); c.4772-13A>G (NM_001407959.1); c.4886-13A>G (NM_001407931.1, NM_001407932.1, NM_001407928.1 and 4 more transcripts); c.5009-13A>G (NM_001407747.1, NM_001407745.1, NM_001407737.1 and 21 more transcripts); c.4769-13A>G (NM_001407962.1, NM_001407960.1); c.1340-13A>G (NM_001408512.1); and 73 more.
Identifiers: ClinVar variation 125783 (VCV000125783.33), dbSNP rs45471406, ClinGen allele CA003294.